The following is an entry in ClinVar:

ClinVar aggregate classification (germline): Uncertain significance (1 of 4 stars; one submission).

Submission:

Labcorp Genetics (formerly Invitae), Labcorp
Classification: Uncertain significance. Last evaluated: 2024-12-30. Review status: criteria provided, single submitter. Criteria: Invitae Variant Classification Sherloc (09022015). Collection method: clinical testing. Allele origin: germline.
Comment: This variant, c.38_43dup, results in the insertion of 2 amino acid(s) of the ANG protein (p.Val13_Leu14dup), but otherwise preserves the integrity of the reading frame. This variant is present in population databases (rs745961752, gnomAD 0.01%). This variant has not been reported in the literature in individuals affected with ANG-related conditions. ClinVar contains an entry for this variant (Variation ID: 2197000). Experimental studies and prediction algorithms are not available or were not evaluated, and the functional significance of this variant is currently unknown. In summary, the available evidence is currently insufficient to determine the role of this variant in disease. Therefore, it has been classified as a Variant of Uncertain Significance.

NM_001097577.3(ANG):c.38_43dup (p.Leu14_Gly15insValLeu)

Genes: ANG (angiogenin; plus strand), EGILA (EGFR interacting lncRNA; minus strand), RNASE4 (ribonuclease A family member 4; plus strand). Cytogenetic location: 14q11.2.
Variant type: Duplication.
Coding change: c.38_43dup on transcript NM_001097577.3 (MANE Select); coding-DNA positions 38 to 43, 6 bases duplicated (TGCTGG; older notation c.38_43dupTGCTGG).
Protein change: p.Leu14_Gly15insValLeu.
Molecular consequence: inframe insertion. On other transcripts: non-coding transcript variant (1), 5 prime UTR variant (1), intron variant (3).
Genome position (GRCh38, 1-based): chr14:20,693,602-20,693,607, TGCTGG duplicated; duplicating any 6 consecutive bases within chr14:20,693,601-20,693,607 gives the same sequence; the c. name uses the placement nearest the transcript's 3' end. VCF-style (leftmost placement, unchanged base first): chr14-20693600-C-CGTGCTG. GRCh37 (hg19) VCF-style: chr14-21161759-C-CGTGCTG.
Other names: c.38_43dup, p.Leu14_Gly15insValLeu (NM_001145.4, NM_001385271.1, NM_001385272.1 and 2 more transcripts); c.-66_-61dup (NM_001282192.2); c.-17-5753_-17-5748dup (NM_002937.5, NM_001282193.2); c.-18+4728_-18+4733dup (NM_194431.3).
Identifiers: ClinVar variation 2197000 (VCV002197000.4), dbSNP rs745961752, ClinGen allele CA7083120.